The following is an entry in ClinVar:

NC_000004.11:g.(?_3488757)_(3495159_?)del

Gene: DOK7 (docking protein 7; plus strand). Cytogenetic location: 4p16.3.
Variant type: Deletion.
Identifiers: ClinVar variation 3246666 (VCV003246666.1).

ClinVar aggregate classification (germline): Uncertain significance (1 of 4 stars; one submission).

Conditions:
Fetal akinesia deformation sequence 1 (FADS1). Also called: Pena-Shokeir syndrome type I; Fetal akinesia sequence. Identifiers: Orphanet 994, MedGen C1276035, MONDO:0100101, OMIM 208150, HP:0001989.
Congenital myasthenic syndrome 10. Also called: Myasthenia, limb-girdle, familial. Identifiers: Orphanet 590, MedGen C1850792, MONDO:0009690, OMIM 254300.

Submission:

Labcorp Genetics (formerly Invitae), Labcorp
Classification: Uncertain significance for Congenital myasthenic syndrome 10; Fetal akinesia deformation sequence 1. Last evaluated: 2022-06-20. Review status: criteria provided, single submitter. Criteria: Invitae Variant Classification Sherloc (09022015). Collection method: clinical testing. Allele origin: unknown.
Comment: In summary, the available evidence is currently insufficient to determine the role of this variant in disease. Therefore, it has been classified as a Variant of Uncertain Significance. Variants that disrupt the consensus splice site are a relatively common cause of aberrant splicing (PMID: 17576681, 9536098). Experimental studies and prediction algorithms are not available or were not evaluated, and the functional significance of this variant is currently unknown. This variant has not been reported in the literature in individuals affected with DOK7-related conditions. This variant results in the deletion of exon 6 and part of exon 7 (c.652+1372_1446del) of the DOK7 gene. While this variant is not anticipated to result in nonsense mediated decay, it likely alters RNA splicing and results in a disrupted protein product.

Literature cited by the submitters: PubMed 17576681; PubMed 9536098.